The following is an entry in ClinVar:

ClinVar aggregate classification (germline): Uncertain significance. Review status: criteria provided, multiple submitters, no conflicts (2 of 4 stars). 2 submissions from 2 submitters: Uncertain significance (2). Last evaluated 2023-12-09.

Conditions:
Inborn genetic diseases. Identifiers: MedGen C0950123, MeSH D030342.

Allele frequency attached by ClinVar (database versions not stated): ESP Exome Variant Server 0.00008; gnomAD exomes 0.00004; TOPMed 0.00006; ExAC 0.00008; gnomAD 0.00006.
gnomAD v4.1: 68 of 1,613,520 alleles (0.0042%); highest among the groups gnomAD compares: Admixed American, 0.005%; no homozygotes.

Submissions (2):

Ambry Genetics
Classification: Uncertain significance for Inborn genetic diseases. Last evaluated: 2023-12-09. Review status: criteria provided, single submitter. Criteria: Ambry Variant Classification Scheme 2023. Collection method: clinical testing. Allele origin: germline.

Labcorp Genetics (formerly Invitae), Labcorp
Classification: Uncertain significance. Last evaluated: 2022-06-14. Review status: criteria provided, single submitter. Criteria: Invitae Variant Classification Sherloc (09022015). Collection method: clinical testing. Allele origin: germline.
Comment: This sequence change replaces alanine, which is neutral and non-polar, with valine, which is neutral and non-polar, at codon 23 of the LTBP4 protein (p.Ala23Val). This variant is present in population databases (rs200001868, gnomAD 0.07%). This variant has not been reported in the literature in individuals affected with LTBP4-related conditions. Experimental studies and prediction algorithms are not available or were not evaluated, and the functional significance of this variant is currently unknown. In summary, the available evidence is currently insufficient to determine the role of this variant in disease. Therefore, it has been classified as a Variant of Uncertain Significance.

NM_003573.2(LTBP4):c.68C>T (p.Ala23Val)

Gene: LTBP4 (latent transforming growth factor beta binding protein 4; plus strand). Cytogenetic location: 19q13.2.
Variant type: single nucleotide variant.
Coding change: c.68C>T on transcript NM_003573.2; coding-DNA position 68, C replaced by T.
Protein change: p.Ala23Val; replaces alanine 23 with valine.
Molecular consequence: missense variant. On other transcripts: synonymous variant (1).
Genome position (GRCh38, 1-based): chr19:40,599,248, C>T. VCF-style: chr19-40599248-C-T. GRCh37 (hg19) VCF-style: chr19-41105154-C-T.
Other names: c.198C>T, p.Cys66= (NM_001042544.1); short protein forms A23V.
Identifiers: ClinVar variation 2196526 (VCV002196526.2), dbSNP rs200001868, ClinGen allele CA9447918.
Genomic context (GRCh38, chr19:40,599,248, plus strand): 5'-TATTTATAGCGTTGCTGTTTGTCGCTGCTGCCCGGGCCAGACGTCTAGGAGGAGCCGCTG[C>T]ATCCGAGGTGGGTTCTGGAAGATGGAGTATGAGTAGGGGGCAAAAGGGAATAGGAGGAGA-3'